The following is an entry in ClinVar:

ClinVar aggregate classification (germline): Uncertain significance (1 of 4 stars; one submission).

Conditions:
Familial encephalopathy with neuroserpin inclusion bodies. Also called: ENCEPHALOPATHY, FAMILIAL, WITH COLLINS BODIES. Identifiers: Orphanet 85110, MedGen C1858680, MONDO:0011412, OMIM 604218.

Submission:

Labcorp Genetics (formerly Invitae), Labcorp
Classification: Uncertain significance for Familial encephalopathy with neuroserpin inclusion bodies. Last evaluated: 2022-02-04. Review status: criteria provided, single submitter. Criteria: Invitae Variant Classification Sherloc (09022015). Collection method: clinical testing. Allele origin: germline.
Comment: In summary, the available evidence is currently insufficient to determine the role of this variant in disease. Therefore, it has been classified as a Variant of Uncertain Significance. Advanced modeling of protein sequence and biophysical properties (such as structural, functional, and spatial information, amino acid conservation, physicochemical variation, residue mobility, and thermodynamic stability) performed at Invitae indicates that this missense variant is not expected to disrupt SERPINI1 protein function. This variant has not been reported in the literature in individuals affected with SERPINI1-related conditions. This variant is not present in population databases (gnomAD no frequency). This sequence change replaces proline, which is neutral and non-polar, with serine, which is neutral and polar, at codon 263 of the SERPINI1 protein (p.Pro263Ser).

NM_001122752.2(SERPINI1):c.787C>T (p.Pro263Ser)

Gene: SERPINI1 (serpin family I member 1; plus strand). Cytogenetic location: 3q26.1.
Variant type: single nucleotide variant.
Coding change: c.787C>T on transcript NM_001122752.2 (MANE Select); coding-DNA position 787, C replaced by T.
Protein change: p.Pro263Ser; replaces proline 263 with serine.
Molecular consequence: missense variant.
Genome position (GRCh38, 1-based): chr3:167,794,730, C>T. VCF-style: chr3-167794730-C-T. GRCh37 (hg19) VCF-style: chr3-167512518-C-T.
Other names: c.787C>T, p.Pro263Ser (NM_005025.5); short protein forms P263S.
Identifiers: ClinVar variation 1463209 (VCV001463209.8), dbSNP rs2108559919, ClinGen allele CA355157137.